The following is an entry in ClinVar:

ClinVar aggregate classification (germline): Benign/Likely benign. Review status: criteria provided, multiple submitters, no conflicts (2 of 4 stars). 11 submissions from 11 submitters: Benign (1); Likely benign (8). 2 of the submissions do not count toward it. Last evaluated 2026-01-19.

Conditions:
Hereditary cancer-predisposing syndrome. Also called: Hereditary neoplastic syndrome; Neoplastic Syndromes, Hereditary; Tumor predisposition; Hereditary Cancer Syndrome. Identifiers: Orphanet 140162, MedGen C0027672, MeSH D009386, MONDO:0015356.
Classic or attenuated familial adenomatous polyposis. Identifiers: MedGen CN372698, MONDO:0021057.
Familial adenomatous polyposis 1 (FAP1). Also called: FAMILIAL ADENOMATOUS POLYPOSIS 1, ATTENUATED; POLYPOSIS, ADENOMATOUS INTESTINAL. Identifiers: MedGen C2713442, MONDO:0021056, OMIM 175100. Disease mechanism: loss of function.

Allele frequency attached by ClinVar (database versions not stated): ExAC 0.00003; gnomAD exomes 0.00005 and 0.00007; TOPMed 0.00005; gnomAD 0.00006.
gnomAD v4.1: 110 of 1,612,830 alleles (0.0068%); highest among the groups gnomAD compares: Non-Finnish European, 0.0087%; no homozygotes.

Submissions (11):

Labcorp Genetics (formerly Invitae), Labcorp
Classification: Likely benign for Familial adenomatous polyposis 1. Last evaluated: 2026-01-19. Review status: criteria provided, single submitter. Criteria: Invitae Variant Classification Sherloc (09022015). Collection method: clinical testing. Allele origin: germline.

All of Us Research Program, National Institutes of Health
Classification: Likely benign for Classic or attenuated familial adenomatous polyposis. Last evaluated: 2023-12-01. Review status: criteria provided, single submitter. Criteria: ACMG Guidelines, 2015. Collection method: clinical testing. Allele origin: germline. Inheritance: Autosomal dominant inheritance. Observed: 11 variant alleles, 11 heterozygotes.
Comment: This study involves interpretation of variants in research participants for the purpose of population health screening. Participant phenotype was not available at the time of variant classification. Additional details can be found in publication PMID: 35346344, PMCID: PMC8962531

Myriad Genetics, Inc.
Classification: Benign for Familial adenomatous polyposis 1. Last evaluated: 2023-02-17. Review status: criteria provided, single submitter. Criteria: Myriad Autosomal Dominant, Autosomal Recessive and X-Linked Classification Criteria (2023). Collection method: clinical testing. Allele origin: unknown.
Comment: This variant is considered benign. This variant is a silent/synonymous amino acid change and it is not expected to impact splicing.

GeneDx
Classification: Likely benign. Last evaluated: 2021-03-28. Review status: criteria provided, single submitter. Criteria: GeneDx Variant Classification Process June 2021. Collection method: clinical testing. Allele origin: germline. Affected: yes.

ARUP Laboratories, Molecular Genetics and Genomics, ARUP Laboratories
Classification: Likely benign. Last evaluated: 2020-06-09. Review status: criteria provided, single submitter. Criteria: ARUP Molecular Germline Variant Investigation Process. Collection method: clinical testing. Allele origin: germline.

Women's Health and Genetics/Laboratory Corporation of America, LabCorp
Classification: Likely benign. Last evaluated: 2019-11-17. Review status: criteria provided, single submitter. Criteria: LabCorp Variant Classification Summary - May 2015. Collection method: clinical testing. Allele origin: germline.

PreventionGenetics, part of Exact Sciences
Classification: Likely benign. Last evaluated: 2017-11-10. Review status: criteria provided, single submitter. Criteria: ACMG Guidelines, 2015. Collection method: clinical testing. Allele origin: germline.

Color Diagnostics, LLC DBA Color Health
Classification: Likely benign for Hereditary cancer-predisposing syndrome. Last evaluated: 2016-11-22. Review status: criteria provided, single submitter. Criteria: ACMG Guidelines, 2015. Collection method: clinical testing. Allele origin: germline.

Ambry Genetics
Classification: Likely benign for Hereditary cancer-predisposing syndrome. Last evaluated: 2014-09-17. Review status: criteria provided, single submitter. Criteria: Ambry Variant Classification Scheme 2023. Collection method: clinical testing. Allele origin: germline.

Counsyl
Classification: Likely benign for Familial adenomatous polyposis 1. Last evaluated: 2018-02-01. Review status: no assertion criteria provided. Collection method: clinical testing. Allele origin: unknown. Not counted in ClinVar's aggregate classification.

Department of Pathology and Laboratory Medicine, Sinai Health System
Classification: Likely benign. Review status: no assertion criteria provided. Collection method: clinical testing. Allele origin: unknown. Affected: yes. Observed: 1 variant allele. Study: The Canadian Open Genetics Repository (COGR). Not counted in ClinVar's aggregate classification.
Comment: The p.Gly263Gly variant is not expected to have clinical significance because it does not result in a change of amino acid and is not located in a known consensus splice site. The variant was identified in the ClinVar database (classified as â€šÃ„Ãºlikely benignâ€šÃ„Ã¹ by Ambry Genetics), and in the Exome Aggregation Consortium (ExAC) database where it was present at a very low frequency in a population of European individuals (4/66322 chromosomes, or frequency of 0.00006). The variant was not identified in the literature, nor was it identified in any of the following databases: dbSNP, NHLBI Exome Sequencing Project (Exome Variant Server), COSMIC, InSiGHT Colon Cancer Gene Variant Database, â€šÃ„ÃºZhejiang Colon Cancer Databaseâ€šÃ„Ã¹, GeneInsight COGR database, and UMD. In silico or computational prediction software programs (SpliceSiteFinder, MaxEntScan, NNSPLICE, GeneSplicer, HumanSpliceFinder) do not predict the creation of a cryptic splice site. In summary, based on the above information, the clinical significance of this variant cannot be determined with certainty at this time although we would lean towards a more benign role for this variant. This variant is classified as predicted benign.

NM_000038.6(APC):c.789T>A (p.Gly263=)

Gene: APC (APC regulator of Wnt signaling pathway; plus strand). Cytogenetic location: 5q22.2.
Variant type: single nucleotide variant.
Coding change: c.789T>A on transcript NM_000038.6 (MANE Select); coding-DNA position 789, T replaced by A.
Protein change: p.Gly263=; no amino-acid change (glycine 263 retained).
Molecular consequence: synonymous variant. On other transcripts: 5 prime UTR variant (1).
Genome position (GRCh38, 1-based): chr5:112,801,338, T>A. VCF-style: chr5-112801338-T-A. GRCh37 (hg19) VCF-style: chr5-112137035-T-A.
Other names: c.789T>A, p.Gly263= (NM_001127510.3, NM_001354895.2, NM_001354896.2 and 1 more transcripts); c.735T>A, p.Gly245= (NM_001127511.3); c.819T>A, p.Gly273= (NM_001354897.2, NM_001354902.2); c.714T>A, p.Gly238= (NM_001354898.2, NM_001354904.2); c.705T>A, p.Gly235= (NM_001354899.2); c.612T>A, p.Gly204= (NM_001354900.2, NM_001354901.2, NM_001354905.2); c.-247T>A (NM_001354906.2).
Identifiers: ClinVar variation 184329 (VCV000184329.32), dbSNP rs767053295, ClinGen allele CA014181.